The following is an entry in ClinVar:

ClinVar aggregate classification (germline): Uncertain significance (1 of 4 stars; one submission).

Allele frequency attached by ClinVar (database versions not stated): gnomAD exomes below 0.00001; ExAC 0.00001.

Submission:

Labcorp Genetics (formerly Invitae), Labcorp
Classification: Uncertain significance. Last evaluated: 2022-10-13. Review status: criteria provided, single submitter. Criteria: Invitae Variant Classification Sherloc (09022015). Collection method: clinical testing. Allele origin: germline.
Comment: In summary, the available evidence is currently insufficient to determine the role of this variant in disease. Therefore, it has been classified as a Variant of Uncertain Significance. Advanced modeling of protein sequence and biophysical properties (such as structural, functional, and spatial information, amino acid conservation, physicochemical variation, residue mobility, and thermodynamic stability) performed at Invitae indicates that this missense variant is not expected to disrupt ITM2B protein function. This variant has not been reported in the literature in individuals affected with ITM2B-related conditions. This variant is present in population databases (rs771676204, gnomAD 0.0009%). This sequence change replaces isoleucine, which is neutral and non-polar, with valine, which is neutral and non-polar, at codon 264 of the ITM2B protein (p.Ile264Val).

NM_021999.5(ITM2B):c.790A>G (p.Ile264Val)

Gene: ITM2B (integral membrane protein 2B; plus strand). Cytogenetic location: 13q14.2.
Variant type: single nucleotide variant.
Coding change: c.790A>G on transcript NM_021999.5 (MANE Select); coding-DNA position 790, A replaced by G.
Protein change: p.Ile264Val; replaces isoleucine 264 with valine.
Molecular consequence: missense variant.
Genome position (GRCh38, 1-based): chr13:48,261,213, A>G. VCF-style: chr13-48261213-A-G. GRCh37 (hg19) VCF-style: chr13-48835349-A-G.
Other names: short protein forms I264V.
Identifiers: ClinVar variation 1946958 (VCV001946958.5), dbSNP rs771676204, ClinGen allele CA6978867.